The following is an entry in ClinVar:

ClinVar aggregate classification (germline): Uncertain significance (1 of 4 stars; one submission).

Conditions:
Hereditary cancer-predisposing syndrome. Also called: Neoplastic Syndromes, Hereditary; Tumor predisposition; Hereditary Cancer Syndrome; Hereditary neoplastic syndrome. Identifiers: Orphanet 140162, MedGen C0027672, MeSH D009386, MONDO:0015356.

Submission:

Ambry Genetics
Classification: Uncertain significance for Hereditary cancer-predisposing syndrome. Last evaluated: 2024-09-21. Review status: criteria provided, single submitter. Criteria: Ambry Variant Classification Scheme 2023. Collection method: clinical testing. Allele origin: germline.
Comment: The p.T1641S variant (also known as c.4921A>T), located in coding exon 37 of the POLE gene, results from an A to T substitution at nucleotide position 4921. The threonine at codon 1641 is replaced by serine, an amino acid with similar properties. This amino acid position is conserved. In addition, this alteration is predicted to be tolerated by in silico analysis. Based on the available evidence, the clinical significance of this variant remains unclear.

NM_006231.4(POLE):c.4921A>T (p.Thr1641Ser)

Gene: POLE (DNA polymerase epsilon, catalytic subunit; minus strand). Cytogenetic location: 12q24.33.
Variant type: single nucleotide variant.
Coding change: c.4921A>T on transcript NM_006231.4 (MANE Select); coding-DNA position 4921, A replaced by T.
Protein change: p.Thr1641Ser; replaces threonine 1641 with serine.
Molecular consequence: missense variant.
Genome position (GRCh38, 1-based): chr12:132,642,537, T>A on the plus strand (A>T on the coding strand, the complement: POLE is on the minus strand). VCF-style: chr12-132642537-T-A. GRCh37 (hg19) VCF-style: chr12-133219123-T-A.
Other names: short protein forms T1641S.
Identifiers: ClinVar variation 3422178 (VCV003422178.1).
Genomic context (GRCh38, chr12:132,642,537, plus strand): 5'-CTGGCCCACAACGACAGTACTGTGCTCACCTGCTCATCTCGAAGGCCTGCGACAGGCAGG[T>A]GTCCAGGTTGAGGTAGTGACGGATCATGCGCCGGGCTCCATGGCGCTGCCAGTCCAGGAC-3'
Protein context (NP_006222.2, residues 1631-1651): RMIRHYLNLD[Thr1641Ser]CLSQAFEMSR